The following is an entry in ClinVar:

NM_032043.3(BRIP1):c.2982del (p.Asn994fs)

Gene: BRIP1 (BRCA1 interacting DNA helicase 1; minus strand). Cytogenetic location: 17q23.2.
Variant type: Deletion.
Coding change: c.2982del on transcript NM_032043.3 (MANE Select); coding-DNA position 2982, one base deleted (C; older notation c.2982delC).
Protein change: p.Asn994fs; shifts the reading frame from asparagine 994.
Molecular consequence: frameshift variant.
Genome position (GRCh38, 1-based): chr17:61,684,064, G deleted on the plus strand (C on the coding strand, the reverse complement: BRIP1 is on the minus strand). VCF-style (leftmost placement, unchanged base first): chr17-61684063-TG-T. GRCh37 (hg19) VCF-style: chr17-59761424-TG-T.
Other names: short protein forms N994fs.
Identifiers: ClinVar variation 2108649 (VCV002108649.4), dbSNP rs2544561714, ClinGen allele CA2580094572.

ClinVar aggregate classification (germline): Uncertain significance (1 of 4 stars; one submission).

Conditions:
Familial cancer of breast. Also called: Hereditary breast cancer; BREAST CANCER, FAMILIAL; hereditary breast carcinoma. Identifiers: Orphanet 227535, MedGen C0346153, MONDO:0016419, OMIM 114480. Disease mechanism: loss of function.
Fanconi anemia complementation group J. Also called: BRIP1-Related Fanconi Anemia. Identifiers: Orphanet 84, MedGen C1836860, MONDO:0012187, OMIM 609054.

Submission:

Labcorp Genetics (formerly Invitae), Labcorp
Classification: Uncertain significance for Familial cancer of breast; Fanconi anemia complementation group J. Last evaluated: 2025-07-15. Review status: criteria provided, single submitter. Criteria: Invitae Variant Classification Sherloc (09022015). Collection method: clinical testing. Allele origin: germline.
Comment: This sequence change creates a premature translational stop signal (p.Asn994Lysfs*65) in the BRIP1 gene. While this is not anticipated to result in nonsense mediated decay, it is expected to disrupt the last 256 amino acid(s) of the BRIP1 protein. This variant is not present in population databases (gnomAD no frequency). This variant has not been reported in the literature in individuals affected with BRIP1-related conditions. ClinVar contains an entry for this variant (Variation ID: 2108649). In summary, the available evidence is currently insufficient to determine the role of this variant in disease. Therefore, it has been classified as a Variant of Uncertain Significance.